The following is an entry in ClinVar:

NM_000883.4(IMPDH1):c.1467C>T (p.Asp489=)

Gene: IMPDH1 (inosine monophosphate dehydrogenase 1; minus strand). Cytogenetic location: 7q32.1.
Variant type: single nucleotide variant.
Coding change: c.1467C>T on transcript NM_000883.4 (MANE Select); coding-DNA position 1467, C replaced by T.
Protein change: p.Asp489=; no amino-acid change (aspartic acid 489 retained).
Molecular consequence: synonymous variant.
Genome position (GRCh38, 1-based): chr7:128,394,972, G>A on the plus strand (C>T on the coding strand, the complement: IMPDH1 is on the minus strand). VCF-style: chr7-128394972-G-A. GRCh37 (hg19) VCF-style: chr7-128035026-G-A.
Other names: c.1437C>T, p.Asp479= (NM_001102605.2); c.1212C>T, p.Asp404= (NM_001142573.2); c.1197C>T, p.Asp399= (NM_001142574.2); c.1137C>T, p.Asp379= (NM_001142575.2); c.1368C>T, p.Asp456= (NM_001142576.2); c.1260C>T, p.Asp420= (NM_001304521.2); c.1359C>T, p.Asp453= (NM_183243.3); c.1467C>T (NM_000883.3).
Identifiers: ClinVar variation 1151983 (VCV001151983.10), dbSNP rs530733258, ClinGen allele CA4470826.

ClinVar aggregate classification (germline): Likely benign. Review status: criteria provided, multiple submitters, no conflicts (2 of 4 stars). 2 submissions from 2 submitters: Likely benign (2). Last evaluated 2026-01-05.

Conditions:
IMPDH1-related disorder. Also called: IMPDH1-related condition; IMPDH1-related disorders.

Allele frequency attached by ClinVar (database versions not stated): gnomAD 0.00001 and 0.00003; gnomAD exomes 0.00003 and 0.00008; TOPMed 0.00004; ExAC 0.00008; 1000 Genomes Project 30x 0.00016; 1000 Genomes Project 0.00020.
gnomAD v4.1: 48 of 1,613,942 alleles (0.003%); highest among the groups gnomAD compares: South Asian, 0.036%; no homozygotes.

Submissions (2):

Labcorp Genetics (formerly Invitae), Labcorp
Classification: Likely benign. Last evaluated: 2026-01-05. Review status: criteria provided, single submitter. Criteria: Invitae Variant Classification Sherloc (09022015). Collection method: clinical testing. Allele origin: germline.

PreventionGenetics, part of Exact Sciences
Classification: Likely benign for IMPDH1-related condition. Last evaluated: 2025-03-25. Review status: criteria provided, single submitter. Criteria: ACMG Guidelines, 2015. Collection method: clinical testing. Allele origin: germline.
Comment: This variant is classified as likely benign based on ACMG/AMP sequence variant interpretation guidelines (Richards et al. 2015 PMID: 25741868, with internal and published modifications).